The following is an entry in ClinVar:

NM_001164508.2(NEB):c.3774+4A>C

Gene: NEB (nebulin; minus strand). Cytogenetic location: 2q23.3.
Variant type: single nucleotide variant.
Coding change: c.3774+4A>C on transcript NM_001164508.2 (MANE Select); 4 bases into the intron after coding-DNA position 3774, A replaced by C.
Molecular consequence: intron variant.
Genome position (GRCh38, 1-based): chr2:151,677,561, T>G on the plus strand (A>C on the coding strand, the complement: NEB is on the minus strand). VCF-style: chr2-151677561-T-G. GRCh37 (hg19) VCF-style: chr2-152534075-T-G.
Other names: c.3774+4A>C (NM_004543.5, NM_001164507.2, NM_001271208.2).
Identifiers: ClinVar variation 955805 (VCV000955805.10), dbSNP rs1026503983, ClinGen allele CA57657160.

ClinVar aggregate classification (germline): Uncertain significance. Review status: criteria provided, multiple submitters, no conflicts (2 of 4 stars). 3 submissions from 3 submitters: Uncertain significance (2). 1 of the submissions does not count toward it. Last evaluated 2022-07-05.

Conditions:
Nemaline myopathy 2 (NEM2). Also called: Nemaline myopathy 2, autosomal recessive. Identifiers: MedGen C1850569, MONDO:0009725, OMIM 256030.

Allele frequency attached by ClinVar (database versions not stated): gnomAD exomes below 0.00001 and 0.00001; TOPMed below 0.00001.
gnomAD v4.1: 7 of 1,610,464 alleles (0.00043%); highest among the groups gnomAD compares: Non-Finnish European, 0.00059%; no homozygotes.

Submissions (3):

Labcorp Genetics (formerly Invitae), Labcorp
Classification: Uncertain significance for Nemaline myopathy 2. Last evaluated: 2022-07-05. Review status: criteria provided, single submitter. Criteria: Invitae Variant Classification Sherloc (09022015). Collection method: clinical testing. Allele origin: germline.
Comment: This sequence change falls in intron 34 of the NEB gene. It does not directly change the encoded amino acid sequence of the NEB protein. It affects a nucleotide within the consensus splice site. This variant is present in population databases (no rsID available, gnomAD 0.0009%). This variant has not been reported in the literature in individuals affected with NEB-related conditions. ClinVar contains an entry for this variant (Variation ID: 955805). Variants that disrupt the consensus splice site are a relatively common cause of aberrant splicing (PMID: 17576681, 9536098). Algorithms developed to predict the effect of sequence changes on RNA splicing suggest that this variant may create or strengthen a splice site. In summary, the available evidence is currently insufficient to determine the role of this variant in disease. Therefore, it has been classified as a Variant of Uncertain Significance.

Revvity Omics, Revvity
Classification: Uncertain significance. Last evaluated: 2019-04-25. Review status: criteria provided, single submitter. Criteria: ACMG Guidelines, 2015. Collection method: clinical testing. Allele origin: germline.

Natera, Inc.
Classification: Uncertain significance for Nemaline myopathy type 2. Last evaluated: 2020-10-19. Review status: no assertion criteria provided. Collection method: clinical testing. Allele origin: germline. Not counted in ClinVar's aggregate classification.

Literature cited by the submitters: PubMed 17576681 (cited by Labcorp Genetics (formerly Invitae), Labcorp); PubMed 9536098 (cited by Labcorp Genetics (formerly Invitae), Labcorp).